The following is an entry in ClinVar:

ClinVar aggregate classification (germline): Uncertain significance (1 of 4 stars; one submission).

Conditions:
Severe combined immunodeficiency due to DNA-PKcs deficiency. Also called: IMMUNODEFICIENCY 26 WITH NEUROLOGIC ABNORMALITIES; Immunodeficiency 26 with or without neurologic abnormalities. Identifiers: Orphanet 317425, MedGen C4014833, MONDO:0014423, OMIM 615966.

Allele frequency attached by ClinVar (database versions not stated): gnomAD exomes below 0.00001; TOPMed 0.00001.
gnomAD v4.1: 6 of 1,612,244 alleles (0.00037%); highest among the groups gnomAD compares: Admixed American, 0.0083%; no homozygotes.

Submission:

Labcorp Genetics (formerly Invitae), Labcorp
Classification: Uncertain significance for Severe combined immunodeficiency due to DNA-PKcs deficiency. Last evaluated: 2022-07-19. Review status: criteria provided, single submitter. Criteria: Invitae Variant Classification Sherloc (09022015). Collection method: clinical testing. Allele origin: germline.
Comment: This sequence change falls in intron 47 of the PRKDC gene. It does not directly change the encoded amino acid sequence of the PRKDC protein. It affects a nucleotide within the consensus splice site. This variant is present in population databases (no rsID available, gnomAD 0.009%). This variant has not been reported in the literature in individuals affected with PRKDC-related conditions. Variants that disrupt the consensus splice site are a relatively common cause of aberrant splicing (PMID: 17576681, 9536098). Experimental studies and prediction algorithms are not available or were not evaluated, and the effect of this variant on mRNA splicing is currently unknown. In summary, the available evidence is currently insufficient to determine the role of this variant in disease. Therefore, it has been classified as a Variant of Uncertain Significance.

Literature cited by the submitters: PubMed 17576681; PubMed 9536098.

NM_006904.7(PRKDC):c.6345+3G>T

Gene: PRKDC (protein kinase, DNA-activated, catalytic subunit; minus strand). Cytogenetic location: 8q11.21.
Variant type: single nucleotide variant.
Coding change: c.6345+3G>T on transcript NM_006904.7 (MANE Select); 3 bases into the intron after coding-DNA position 6345, G replaced by T.
Molecular consequence: intron variant.
Genome position (GRCh38, 1-based): chr8:47,858,846, C>A on the plus strand (G>T on the coding strand, the complement: PRKDC is on the minus strand). VCF-style: chr8-47858846-C-A. GRCh37 (hg19) VCF-style: chr8-48771407-C-A.
Other names: c.6345+3G>T (NM_001081640.2).
Identifiers: ClinVar variation 2161420 (VCV002161420.1), dbSNP rs1282634976, ClinGen allele CA581930017.